The following is an entry in ClinVar:

NM_024426.6(WT1):c.556G>A (p.Gly186Ser)

Genes: WT1 (WT1 transcription factor; minus strand), LOC107982234 (WT1/WT1-AS bi-directional promoter region; plus strand). Cytogenetic location: 11p13.
Variant type: single nucleotide variant.
Coding change: c.556G>A on transcript NM_024426.6 (MANE Select); coding-DNA position 556, G replaced by A.
Protein change: p.Gly186Ser; replaces glycine 186 with serine.
Molecular consequence: missense variant. On other transcripts: non-coding transcript variant (1).
Genome position (GRCh38, 1-based): chr11:32,434,805, C>T on the plus strand (G>A on the coding strand, the complement: WT1 is on the minus strand). VCF-style: chr11-32434805-C-T. GRCh37 (hg19) VCF-style: chr11-32456351-C-T.
Other names: c.556G>A, p.Gly186Ser (NM_000378.6, NM_024424.5); short protein forms G186S.
Identifiers: ClinVar variation 962803 (VCV000962803.9), dbSNP rs768644520, ClinGen allele CA379964675.

ClinVar aggregate classification (germline): Uncertain significance. Review status: criteria provided, multiple submitters, no conflicts (2 of 4 stars). 2 submissions from 2 submitters: Uncertain significance (2). Last evaluated 2026-05-11.

Conditions:
Inborn genetic diseases. Identifiers: MedGen C0950123, MeSH D030342.
Drash syndrome (DDS). Also called: NEPHROPATHY, WILMS TUMOR, AND GENITAL ANOMALIES; WILMS TUMOR AND PSEUDO- OR TRUE HERMAPHRODITISM. Identifiers: Orphanet 220, MedGen C0950121, MONDO:0008682, OMIM 194080.
Frasier syndrome. Identifiers: Orphanet 347, MedGen C0950122, MeSH D052159, MONDO:0007635, OMIM 136680.
Wilms tumor 1 (WT1). Also called: Wilms tumor, somatic. Identifiers: Orphanet 654, MedGen CN033288, MONDO:0008679, OMIM 194070.
11p partial monosomy syndrome (WAGR). Also called: CHROMOSOME 11p13 DELETION SYNDROME; WAGR Complex; WAGR syndrome; WAGR Spectrum Disorder. Identifiers: Orphanet 893, MedGen C0206115, MONDO:0008681, OMIM 194072.

Submissions (2):

Ambry Genetics
Classification: Uncertain significance for Inborn genetic diseases. Last evaluated: 2026-05-11. Review status: criteria provided, single submitter. Criteria: Ambry Variant Classification Scheme 2023. Collection method: clinical testing. Allele origin: germline.
Comment: The p.G181S variant (also known as c.541G>A), located in coding exon 1 of the WT1 gene, results from a G to A substitution at nucleotide position 541. The glycine at codon 181 is replaced by serine, an amino acid with similar properties. This amino acid position is highly conserved in available vertebrate species. In addition, the in silico prediction for this alteration is inconclusive. Based on the available evidence, the clinical significance of this variant remains unclear.

Labcorp Genetics (formerly Invitae), Labcorp
Classification: Uncertain significance for Wilms tumor 1; Drash syndrome; 11p partial monosomy syndrome; Frasier syndrome. Last evaluated: 2023-10-15. Review status: criteria provided, single submitter. Criteria: Invitae Variant Classification Sherloc (09022015). Collection method: clinical testing. Allele origin: germline.
Comment: This sequence change replaces glycine, which is neutral and non-polar, with serine, which is neutral and polar, at codon 181 of the WT1 protein (p.Gly181Ser). This variant is not present in population databases (gnomAD no frequency). This variant has not been reported in the literature in individuals affected with WT1-related conditions. ClinVar contains an entry for this variant (Variation ID: 962803). An algorithm developed to predict the effect of missense changes on protein structure and function (PolyPhen-2) suggests that this variant is likely to be disruptive. In summary, the available evidence is currently insufficient to determine the role of this variant in disease. Therefore, it has been classified as a Variant of Uncertain Significance.